The following is an entry in ClinVar:

ClinVar aggregate classification (germline): Pathogenic. Review status: criteria provided, multiple submitters, no conflicts (2 of 4 stars). 2 submissions from 2 submitters: Pathogenic (2). Last evaluated 2025-10-01.

Conditions:
AGBL5-related disorder. Also called: AGBL5-related condition.

gnomAD v4.1: 10 of 1,613,560 alleles (0.00062%); highest among the groups gnomAD compares: South Asian, 0.0011%; no homozygotes.

Submissions (2):

Labcorp Genetics (formerly Invitae), Labcorp
Classification: Pathogenic. Last evaluated: 2025-10-01. Review status: criteria provided, single submitter. Criteria: Invitae Variant Classification Sherloc (09022015). Collection method: clinical testing. Allele origin: germline.
Comment: This sequence change creates a premature translational stop signal (p.Arg487*) in the AGBL5 gene. It is expected to result in an absent or disrupted protein product. Loss-of-function variants in AGBL5 are known to be pathogenic (PMID: 27764769, 27842159, 39672920). This variant is present in population databases (rs749698218, gnomAD 0.004%). This premature translational stop signal has been observed in individual(s) with retinitis pigmentosa (PMID: 27764769). It has also been observed to segregate with disease in related individuals. ClinVar contains an entry for this variant (Variation ID: 3720305). Algorithms developed to predict the effect of sequence changes on RNA splicing suggest that this variant may disrupt the consensus splice site. For these reasons, this variant has been classified as Pathogenic.

Blueprint Genetics
Classification: Pathogenic for AGBL5-related disorders. Last evaluated: 2022-10-07. Review status: criteria provided, single submitter. Criteria: ACMG Guidelines, 2015. Collection method: clinical testing. Allele origin: germline. Affected: yes. Observed: 3 variant alleles.

Literature cited by the submitters: PubMed 27764769 (cited by Labcorp Genetics (formerly Invitae), Labcorp); PubMed 27842159 (cited by Labcorp Genetics (formerly Invitae), Labcorp); PubMed 39672920 (cited by Labcorp Genetics (formerly Invitae), Labcorp).

NM_021831.6(AGBL5):c.1459C>T (p.Arg487Ter)

Gene: AGBL5 (AGBL carboxypeptidase 5; plus strand). Cytogenetic location: 2p23.3.
Variant type: single nucleotide variant.
Coding change: c.1459C>T on transcript NM_021831.6 (MANE Select); coding-DNA position 1459, C replaced by T.
Protein change: p.Arg487Ter; replaces arginine 487 with a stop codon.
Molecular consequence: nonsense. On other transcripts: non-coding transcript variant (2).
Genome position (GRCh38, 1-based): chr2:27,056,716, C>T. VCF-style: chr2-27056716-C-T. GRCh37 (hg19) VCF-style: chr2-27279584-C-T.
Other names: c.1459C>T, p.Arg487Ter (NM_001035507.3); short protein forms R487*.
Identifiers: ClinVar variation 3720305 (VCV003720305.3).